The following is an entry in ClinVar:

ClinVar aggregate classification (germline): Uncertain significance. Review status: criteria provided, multiple submitters, no conflicts (2 of 4 stars). 2 submissions from 2 submitters: Uncertain significance (2). Last evaluated 2024-06-10.

Conditions:
Inborn genetic diseases. Identifiers: MedGen C0950123, MeSH D030342.

Allele frequency attached by ClinVar (database versions not stated): ExAC 0.00001; gnomAD exomes 0.00001; TOPMed 0.00001.
gnomAD v4.1: 21 of 1,614,194 alleles (0.0013%); highest among the groups gnomAD compares: East Asian, 0.0022%; no homozygotes.

Submissions (2):

Ambry Genetics
Classification: Uncertain significance for Inborn genetic diseases. Last evaluated: 2024-06-10. Review status: criteria provided, single submitter. Criteria: Ambry Variant Classification Scheme 2023. Collection method: clinical testing. Allele origin: germline.

Labcorp Genetics (formerly Invitae), Labcorp
Classification: Uncertain significance. Last evaluated: 2022-04-11. Review status: criteria provided, single submitter. Criteria: Invitae Variant Classification Sherloc (09022015). Collection method: clinical testing. Allele origin: germline.
Comment: This sequence change replaces valine, which is neutral and non-polar, with methionine, which is neutral and non-polar, at codon 1257 of the VPS13D protein (p.Val1257Met). This variant is present in population databases (rs771651771, gnomAD 0.007%). This variant has not been reported in the literature in individuals affected with VPS13D-related conditions. Algorithms developed to predict the effect of missense changes on protein structure and function (SIFT, PolyPhen-2, Align-GVGD) all suggest that this variant is likely to be tolerated. In summary, the available evidence is currently insufficient to determine the role of this variant in disease. Therefore, it has been classified as a Variant of Uncertain Significance.

NM_015378.4(VPS13D):c.3769G>A (p.Val1257Met)

Gene: VPS13D (vacuolar protein sorting 13 homolog D; plus strand). Cytogenetic location: 1p36.22.
Variant type: single nucleotide variant.
Coding change: c.3769G>A on transcript NM_015378.4 (MANE Select); coding-DNA position 3769, G replaced by A.
Protein change: p.Val1257Met; replaces valine 1257 with methionine.
Molecular consequence: missense variant.
Genome position (GRCh38, 1-based): chr1:12,277,357, G>A. VCF-style: chr1-12277357-G-A. GRCh37 (hg19) VCF-style: chr1-12337414-G-A.
Other names: c.3769G>A (NM_015378.2); c.3769G>A, p.Val1257Met (NM_018156.4); short protein forms V1257M.
Identifiers: ClinVar variation 2151123 (VCV002151123.5), dbSNP rs771651771, ClinGen allele CA602017.